The following is an entry in ClinVar:

ClinVar aggregate classification (germline): Uncertain significance (1 of 4 stars; one submission).

Conditions:
Pitt-Hopkins-like syndrome 2 (PTHSL2). Identifiers: Orphanet 221150, Orphanet 600663, MedGen C3280479, MONDO:0013690, OMIM 614325.

Allele frequency attached by ClinVar (database versions not stated): gnomAD exomes below 0.00001; TOPMed below 0.00001.
gnomAD v4.1: 1 of 1,613,590 alleles (0.000062%); highest among the groups gnomAD compares: Non-Finnish European, 0.000085%; no homozygotes.

Submission:

Labcorp Genetics (formerly Invitae), Labcorp
Classification: Uncertain significance for Pitt-Hopkins-like syndrome 2. Last evaluated: 2024-04-22. Review status: criteria provided, single submitter. Criteria: Invitae Variant Classification Sherloc (09022015). Collection method: clinical testing. Allele origin: germline.
Comment: This sequence change replaces glycine, which is neutral and non-polar, with serine, which is neutral and polar, at codon 793 of the NRXN1 protein (p.Gly793Ser). This variant is not present in population databases (gnomAD no frequency). This variant has not been reported in the literature in individuals affected with NRXN1-related conditions. ClinVar contains an entry for this variant (Variation ID: 848372). An algorithm developed to predict the effect of missense changes on protein structure and function (PolyPhen-2) suggests that this variant is likely to be disruptive. In summary, the available evidence is currently insufficient to determine the role of this variant in disease. Therefore, it has been classified as a Variant of Uncertain Significance.

NM_001330078.2(NRXN1):c.2257G>A (p.Gly753Ser)

Gene: NRXN1 (neurexin 1; minus strand). Cytogenetic location: 2p16.3.
Variant type: single nucleotide variant.
Coding change: c.2257G>A on transcript NM_001330078.2 (MANE Select); coding-DNA position 2257, G replaced by A.
Protein change: p.Gly753Ser; replaces glycine 753 with serine.
Molecular consequence: missense variant.
Genome position (GRCh38, 1-based): chr2:50,531,317, C>T on the plus strand (G>A on the coding strand, the complement: NRXN1 is on the minus strand). VCF-style: chr2-50531317-C-T. GRCh37 (hg19) VCF-style: chr2-50758455-C-T.
Other names: c.2377G>A, p.Gly793Ser (NM_001135659.3); c.2233G>A, p.Gly745Ser (NM_001330077.2, NM_001330082.2, NM_001330095.2); c.2218G>A, p.Gly740Ser (NM_001330083.2, NM_001330084.2); c.2257G>A, p.Gly753Ser (NM_001330085.2, NM_001330086.2, NM_004801.6); c.2173G>A, p.Gly725Ser (NM_001330087.2, NM_001330096.2); c.2203G>A, p.Gly735Ser (NM_001330088.2); c.2254G>A, p.Gly752Ser (NM_001330093.2); c.2245G>A, p.Gly749Ser (NM_001330094.2); short protein forms G740S, G749S, G735S, G753S, G793S, G725S, G752S, G745S.
Identifiers: ClinVar variation 848372 (VCV000848372.9), dbSNP rs928465011, ClinGen allele CA47312916.